The following is an entry in ClinVar:

NM_001077415.3(CRELD1):c.524G>A (p.Arg175Gln)

Gene: CRELD1 (cysteine rich with EGF like domains 1; plus strand). Cytogenetic location: 3p25.3.
Variant type: single nucleotide variant.
Coding change: c.524G>A on transcript NM_001077415.3 (MANE Select); coding-DNA position 524, G replaced by A.
Protein change: p.Arg175Gln; replaces arginine 175 with glutamine.
Molecular consequence: missense variant. On other transcripts: non-coding transcript variant (3).
Genome position (GRCh38, 1-based): chr3:9,940,913, G>A. VCF-style: chr3-9940913-G-A. GRCh37 (hg19) VCF-style: chr3-9982597-G-A.
Other names: c.524G>A, p.Arg175Gln (NM_001031717.4, NM_001374316.1, NM_001374317.1 and 4 more transcripts); c.524G>A (NM_015513.4); short protein forms R175Q.
Identifiers: ClinVar variation 534231 (VCV000534231.4), dbSNP rs759093681, ClinGen allele CA2247720.

ClinVar aggregate classification (germline): Uncertain significance. Review status: criteria provided, multiple submitters, no conflicts (2 of 4 stars). 2 submissions from 2 submitters: Uncertain significance (2). Last evaluated 2024-11-24.

Conditions:
Inborn genetic diseases. Identifiers: MedGen C0950123, MeSH D030342.
Atrioventricular septal defect, susceptibility to, 2. Identifiers: MedGen C1853508, MONDO:0011650, OMIM 606217.

Allele frequency attached by ClinVar (database versions not stated): ExAC 0.00001; gnomAD 0.00001; gnomAD exomes 0.00001; TOPMed 0.00004.
gnomAD v4.1: 15 of 1,614,006 alleles (0.00093%); highest among the groups gnomAD compares: African/African-American, 0.008%; no homozygotes.

Submissions (2):

Ambry Genetics
Classification: Uncertain significance for Inborn genetic diseases. Last evaluated: 2024-11-24. Review status: criteria provided, single submitter. Criteria: Ambry Variant Classification Scheme 2023. Collection method: clinical testing. Allele origin: germline.

Labcorp Genetics (formerly Invitae), Labcorp
Classification: Uncertain significance for Atrioventricular septal defect, susceptibility to, 2. Last evaluated: 2021-08-28. Review status: criteria provided, single submitter. Criteria: Invitae Variant Classification Sherloc (09022015). Collection method: clinical testing. Allele origin: germline.
Comment: This sequence change replaces arginine with glutamine at codon 175 of the CRELD1 protein (p.Arg175Gln). The arginine residue is highly conserved and there is a small physicochemical difference between arginine and glutamine. This variant is present in population databases (rs759093681, ExAC 0.009%). This variant has not been reported in the literature in individuals affected with CRELD1-related conditions. Algorithms developed to predict the effect of missense changes on protein structure and function are either unavailable or do not agree on the potential impact of this missense change (SIFT: "Deleterious"; PolyPhen-2: "Possibly Damaging"; Align-GVGD: "Class C0"). In summary, the available evidence is currently insufficient to determine the role of this variant in disease. Therefore, it has been classified as a Variant of Uncertain Significance.